The following is an entry in ClinVar:

ClinVar aggregate classification (germline): Uncertain significance. Review status: criteria provided, multiple submitters, no conflicts (2 of 4 stars). 3 submissions from 3 submitters: Uncertain significance (2). 1 of the submissions does not count toward it. Last evaluated 2024-04-16.

Conditions:
CDHR1-related disorder. Also called: CDHR1-related condition.

Allele frequency attached by ClinVar (database versions not stated): ExAC 0.00002; gnomAD 0.00004; TOPMed 0.00007; ESP Exome Variant Server 0.00008.

Submissions (3):

Labcorp Genetics (formerly Invitae), Labcorp
Classification: Uncertain significance. Last evaluated: 2024-04-16. Review status: criteria provided, single submitter. Criteria: Invitae Variant Classification Sherloc (09022015). Collection method: clinical testing. Allele origin: germline.
Comment: This sequence change replaces asparagine, which is neutral and polar, with lysine, which is basic and polar, at codon 347 of the CDHR1 protein (p.Asn347Lys). This variant is present in population databases (rs369220747, gnomAD 0.008%). This variant has not been reported in the literature in individuals affected with CDHR1-related conditions. ClinVar contains an entry for this variant (Variation ID: 1928349). Advanced modeling of protein sequence and biophysical properties (such as structural, functional, and spatial information, amino acid conservation, physicochemical variation, residue mobility, and thermodynamic stability) has been performed at Invitae for this missense variant, however the output from this modeling did not meet the statistical confidence thresholds required to predict the impact of this variant on CDHR1 protein function. In summary, the available evidence is currently insufficient to determine the role of this variant in disease. Therefore, it has been classified as a Variant of Uncertain Significance.

Blueprint Genetics
Classification: Uncertain significance. Last evaluated: 2021-12-20. Review status: criteria provided, single submitter. Criteria: ACMG Guidelines, 2015. Collection method: clinical testing. Allele origin: germline.

PreventionGenetics, part of Exact Sciences
Classification: Uncertain significance for CDHR1-related condition. Last evaluated: 2024-09-18. Review status: no assertion criteria provided. Collection method: clinical testing. Allele origin: germline. Not counted in ClinVar's aggregate classification.
Comment: The CDHR1 c.1041C>A variant is predicted to result in the amino acid substitution p.Asn347Lys. To our knowledge, this variant has not been reported in the literature. This variant is reported in 0.0079% of alleles in individuals of European (Non-Finnish) descent in gnomAD. At this time, the clinical significance of this variant is uncertain due to the absence of conclusive functional and genetic evidence.

NM_033100.4(CDHR1):c.1041C>A (p.Asn347Lys)

Gene: CDHR1 (cadherin related family member 1; plus strand). Cytogenetic location: 10q23.1.
Variant type: single nucleotide variant.
Coding change: c.1041C>A on transcript NM_033100.4 (MANE Select); coding-DNA position 1041, C replaced by A.
Protein change: p.Asn347Lys; replaces asparagine 347 with lysine.
Molecular consequence: missense variant.
Genome position (GRCh38, 1-based): chr10:84,208,251, C>A. VCF-style: chr10-84208251-C-A. GRCh37 (hg19) VCF-style: chr10-85968007-C-A.
Other names: c.1041C>A, p.Asn347Lys (NM_001171971.3); c.1041C>A (NM_033100.3); short protein forms N347K.
Identifiers: ClinVar variation 1928349 (VCV001928349.5), dbSNP rs369220747, ClinGen allele CA5579818.
Genomic context (GRCh38, chr10:84,208,251, plus strand): 5'-TGCGGGGAGCCCAGCTGCCCAGGCCACCGTCCCAGTCACCATCAGGATTGTGGACCTCAA[C>A]AACCACCCGCCAACATTCTATGGAGAGAGCGGACCCCAAAACAGGTTTGAGCTGTCCATG-3'
Protein context (NP_149091.1, residues 337-357): VPVTIRIVDL[Asn347Lys]NHPPTFYGES